The following is an entry in ClinVar:

NM_001303052.2(MYT1L):c.2042A>G (p.Tyr681Cys)

Gene: MYT1L (myelin transcription factor 1 like; minus strand). Cytogenetic location: 2p25.3.
Variant type: single nucleotide variant.
Coding change: c.2042A>G on transcript NM_001303052.2 (MANE Select); coding-DNA position 2042, A replaced by G.
Protein change: p.Tyr681Cys; replaces tyrosine 681 with cysteine.
Molecular consequence: missense variant.
Genome position (GRCh38, 1-based): chr2:1,892,278, T>C on the plus strand (A>G on the coding strand, the complement: MYT1L is on the minus strand). VCF-style: chr2-1892278-T-C. GRCh37 (hg19) VCF-style: chr2-1896050-T-C.
Other names: c.2042A>G, p.Tyr681Cys (NM_001329844.2, NM_001329845.1, NM_001329851.3); c.2036A>G, p.Tyr679Cys (NM_001329846.3, NM_001329847.2, NM_001329848.1 and 3 more transcripts); short protein forms Y679C, Y681C.
Identifiers: ClinVar variation 3254559 (VCV003254559.1), dbSNP rs1260732925.
Genomic context (GRCh38, chr2:1,892,278, plus strand): 5'-CTGCTGCTGCTGGGCGCGTAGCTGCTGGTGCTGCTGCTGCTGGGGCTGGGGTCCTTGCAG[T>C]ACCGCTTCGCTGGGGAGACAGGGACAGGGATGACTCAGGCCCCGGCCGCAGGGCACACGG-3'
Protein context (NP_001289981.1, residues 671-691): SPKGYDDAKR[Tyr681Cys]CKDPSPSSSS

ClinVar aggregate classification (germline): Uncertain significance (1 of 4 stars; one submission).

Conditions:
Intellectual developmental disorder, autosomal dominant 39. Also called: Intellectual disability, autosomal dominant 39; Mental retardation, autosomal dominant 39. Identifiers: MedGen C4225296, MONDO:0014678, OMIM 616521.

Allele frequency attached by ClinVar (database versions not stated): gnomAD 0.00001; gnomAD exomes 0.00001; TOPMed 0.00001.
gnomAD v4.1: 21 of 1,548,298 alleles (0.0014%); highest among the groups gnomAD compares: Non-Finnish European, 0.0017%; no homozygotes.

Submission:

Victorian Clinical Genetics Services, Murdoch Childrens Research Institute
Classification: Uncertain significance for Intellectual developmental disorder, autosomal dominant 39. Last evaluated: 2023-07-16. Review status: criteria provided, single submitter. Criteria: ACMG Guidelines, 2015. Collection method: clinical testing. Allele origin: germline. Inheritance: Autosomal dominant inheritance. Affected: yes.
Comment: Based on the classification scheme VCGS_Germline_v1.3.4, this variant is classified as VUS-3C.. Following criteria are met: 0102 - Loss of function is a known mechanism of disease in this gene and is associated with intellectual developmental disorder 39 (MIM#616521). (I) 0107 - This gene is associated with autosomal dominant disease. (I) 0115 - Variants in this gene are known to have variable expressivity. Individuals with pathogenic variants in this gene presented with variable phenotypes and severity (PMID: 33622623). (I) 0200 - Variant is predicted to result in a missense amino acid change from tyrosine to cysteine. (I) 0251 - This variant is heterozygous. (I) 0302 - Variant is present in gnomAD (v2 and 3) <0.001 for a dominant condition (3 heterozygotes). (SP) 0309 - An alternative amino acid change at the same position has been observed in gnomAD (v2) (1 heterozygote, 0 homozygotes). (I) 0502 - Missense variant with conflicting in silico predictions and uninformative conservation. (I) 0600 - Variant is located in the annotated MYT1 domain (DECIPHER). (I) 0705 - No comparable missense variants have previous evidence for pathogenicity. (I) 0807 - This variant has no previous evidence of pathogenicity. (I) 0905 - No published segregation evidence has been identified for this variant. (I) 1007 - No published functional evidence has been identified for this variant. (I) 1208 - Inheritance information for this variant is not currently available in this individual. (I) Legend: (SP) - Supporting pathogenic, (I) - Information, (SB) - Supporting benign

Literature cited by the submitters: PubMed 33622623.